The following is an entry in ClinVar:

ClinVar aggregate classification (germline): Likely pathogenic (1 of 4 stars; one submission).

Conditions:
Arrhythmogenic right ventricular dysplasia 9 (ARVD9). Also called: Arrhythmogenic Right Ventricular Dysplasia/Cardiomyopathy 9; ARRHYTHMOGENIC RIGHT VENTRICULAR DYSPLASIA, FAMILIAL, 9. Identifiers: MedGen C1836906, MONDO:0012180, OMIM 609040.

Submission:

Labcorp Genetics (formerly Invitae), Labcorp
Classification: Likely pathogenic for Arrhythmogenic right ventricular dysplasia 9. Last evaluated: 2019-06-03. Review status: criteria provided, single submitter. Criteria: Invitae Variant Classification Sherloc (09022015). Collection method: clinical testing. Allele origin: unknown.
Comment: In summary, the currently available evidence indicates that the variant is pathogenic, but additional data are needed to prove that conclusively. Therefore, this variant has been classified as Likely Pathogenic. Loss-of-function variants in PKP2 are known to be pathogenic (PMID: 15489853, 23911551). This variant has not been reported in the literature in individuals with PKP2-related disease. This variant is a deletion of the genomic region encompassing exon 7 and part of exon 6 (c.1471_1689-1250del) of the PKP2 gene. It is expected to disrupt RNA splicing and likely results in an absent or disrupted protein product.

Literature cited by the submitters: PubMed 15489853; PubMed 23911551.

NC_000012.11:g.(?_32978391)_(32996200_?)del

Gene: PKP2 (plakophilin 2; minus strand). Cytogenetic location: 12p11.21.
Variant type: Deletion.
Identifiers: ClinVar variation 3244299 (VCV003244299.1).